The following is an entry in ClinVar:

NM_002485.5(NBN):c.1961T>G (p.Leu654Arg)

Gene: NBN (nibrin; minus strand). Cytogenetic location: 8q21.3.
Variant type: single nucleotide variant.
Coding change: c.1961T>G on transcript NM_002485.5 (MANE Select); coding-DNA position 1961, T replaced by G.
Protein change: p.Leu654Arg; replaces leucine 654 with arginine.
Molecular consequence: missense variant.
Genome position (GRCh38, 1-based): chr8:89,946,249, A>C on the plus strand (T>G on the coding strand, the complement: NBN is on the minus strand). VCF-style: chr8-89946249-A-C. GRCh37 (hg19) VCF-style: chr8-90958477-A-C.
Other names: c.1715T>G, p.Leu572Arg (NM_001024688.3); short protein forms L654R, L572R.
Identifiers: ClinVar variation 530756 (VCV000530756.12), dbSNP rs758728938, ClinGen allele CA4802634.

ClinVar aggregate classification (germline): Uncertain significance. Review status: criteria provided, multiple submitters, no conflicts (2 of 4 stars). 3 submissions from 3 submitters: Uncertain significance (2). 1 of the submissions does not count toward it. Last evaluated 2024-02-19.

Conditions:
Hereditary cancer-predisposing syndrome. Also called: Neoplastic Syndromes, Hereditary; Hereditary neoplastic syndrome; Tumor predisposition; Hereditary Cancer Syndrome. Identifiers: Orphanet 140162, MedGen C0027672, MeSH D009386, MONDO:0015356.
Microcephaly, normal intelligence and immunodeficiency (NBS). Also called: Immunodeficiency, microcephaly with normal intelligence; Ataxia telangiectasia variant V1; IMMUNODEFICIENCY, MICROCEPHALY, AND CHROMOSOMAL INSTABILITY; BERLIN BREAKAGE SYNDROME; SEEMANOVA SYNDROME II; Nijmegen breakage syndrome. Identifiers: Orphanet 647, MedGen C0398791, MONDO:0009623, OMIM 251260.

Allele frequency attached by ClinVar (database versions not stated): gnomAD exomes below 0.00001 and 0.00002; ExAC 0.00001.
gnomAD v4.1: 4 of 1,587,400 alleles (0.00025%); highest among the groups gnomAD compares: South Asian, 0.0044%; no homozygotes.

Submissions (3):

Labcorp Genetics (formerly Invitae), Labcorp
Classification: Uncertain significance for Microcephaly, normal intelligence and immunodeficiency. Last evaluated: 2024-02-19. Review status: criteria provided, single submitter. Criteria: Invitae Variant Classification Sherloc (09022015). Collection method: clinical testing. Allele origin: germline.
Comment: This sequence change replaces leucine, which is neutral and non-polar, with arginine, which is basic and polar, at codon 654 of the NBN protein (p.Leu654Arg). This variant is present in population databases (rs758728938, gnomAD 0.01%). This variant has not been reported in the literature in individuals affected with NBN-related conditions. ClinVar contains an entry for this variant (Variation ID: 530756). An algorithm developed to predict the effect of missense changes on protein structure and function (PolyPhen-2) suggests that this variant is likely to be disruptive. In summary, the available evidence is currently insufficient to determine the role of this variant in disease. Therefore, it has been classified as a Variant of Uncertain Significance.

Ambry Genetics
Classification: Uncertain significance for Hereditary cancer-predisposing syndrome. Last evaluated: 2022-12-18. Review status: criteria provided, single submitter. Criteria: Ambry Variant Classification Scheme 2023. Collection method: clinical testing. Allele origin: germline.
Comment: The p.L654R variant (also known as c.1961T>G), located in coding exon 13 of the NBN gene, results from a T to G substitution at nucleotide position 1961. The leucine at codon 654 is replaced by arginine, an amino acid with dissimilar properties. This amino acid position is poorly conserved in available vertebrate species. In addition, this alteration is predicted to be tolerated by in silico analysis. Since supporting evidence is limited at this time, the clinical significance of this alteration remains unclear.

Natera, Inc.
Classification: Uncertain significance for Nijmegen breakage syndrome. Last evaluated: 2019-11-11. Review status: no assertion criteria provided. Collection method: clinical testing. Allele origin: germline. Not counted in ClinVar's aggregate classification.